The following is an entry in ClinVar:

NM_001046.3(SLC12A2):c.593A>G (p.His198Arg)

Gene: SLC12A2 (solute carrier family 12 member 2; plus strand). Cytogenetic location: 5q23.3.
Variant type: single nucleotide variant.
Coding change: c.593A>G on transcript NM_001046.3 (MANE Select); coding-DNA position 593, A replaced by G.
Protein change: p.His198Arg; replaces histidine 198 with arginine.
Molecular consequence: missense variant. On other transcripts: non-coding transcript variant (1).
Genome position (GRCh38, 1-based): chr5:128,084,547, A>G. VCF-style: chr5-128084547-A-G. GRCh37 (hg19) VCF-style: chr5-127420239-A-G.
Other names: c.593A>G, p.His198Arg (NM_001256461.2); short protein forms H198R.
Identifiers: ClinVar variation 4738151 (VCV004738151.1).

ClinVar aggregate classification (germline): Uncertain significance (1 of 4 stars; one submission).

gnomAD v4.1: 8 of 1,613,576 alleles (0.0005%); highest among the groups gnomAD compares: Admixed American, 0.005%; no homozygotes.

Submission:

Labcorp Genetics (formerly Invitae), Labcorp
Classification: Uncertain significance. Last evaluated: 2025-08-20. Review status: criteria provided, single submitter. Criteria: Invitae Variant Classification Sherloc (09022015). Collection method: clinical testing. Allele origin: germline.
Comment: This sequence change replaces histidine, which is basic and polar, with arginine, which is basic and polar, at codon 198 of the SLC12A2 protein (p.His198Arg). This variant is present in population databases (rs756076420, gnomAD 0.003%). This variant has not been reported in the literature in individuals affected with SLC12A2-related conditions. Invitae Evidence Modeling of protein sequence and biophysical properties (such as structural, functional, and spatial information, amino acid conservation, physicochemical variation, residue mobility, and thermodynamic stability) indicates that this missense variant is not expected to disrupt SLC12A2 protein function with a negative predictive value of 95%. In summary, the available evidence is currently insufficient to determine the role of this variant in disease. Therefore, it has been classified as a Variant of Uncertain Significance.